The following is an entry in ClinVar:

NM_198880.3(QRICH1):c.372C>T (p.Thr124=)

Gene: QRICH1 (glutamine rich 1; minus strand). Cytogenetic location: 3p21.31.
Variant type: single nucleotide variant.
Coding change: c.372C>T on transcript NM_198880.3 (MANE Select); coding-DNA position 372, C replaced by T.
Protein change: p.Thr124=; no amino-acid change (threonine 124 retained).
Molecular consequence: synonymous variant.
Genome position (GRCh38, 1-based): chr3:49,057,828, G>A on the plus strand (C>T on the coding strand, the complement: QRICH1 is on the minus strand). VCF-style: chr3-49057828-G-A. GRCh37 (hg19) VCF-style: chr3-49095261-G-A.
Other names: c.372C>T, p.Thr124= (NM_001320580.2, NM_001320581.2, NM_001320582.2 and 4 more transcripts).
Identifiers: ClinVar variation 3048915 (VCV003048915.2), dbSNP rs375758772, ClinGen allele CA2391345.

ClinVar aggregate classification (germline): Likely benign (0 of 4 stars; one submission).

Conditions:
QRICH1-related disorder. Also called: QRICH1-related condition.

Allele frequency attached by ClinVar (database versions not stated): ExAC 0.00002; gnomAD 0.00005; TOPMed 0.00006; ESP Exome Variant Server 0.00008; gnomAD exomes 0.00009; 1000 Genomes Project 30x 0.00016.
gnomAD v4.1: 131 of 1,614,062 alleles (0.0081%); highest among the groups gnomAD compares: Non-Finnish European, 0.011%; no homozygotes.

Submission:

PreventionGenetics, part of Exact Sciences
Classification: Likely benign for QRICH1-related condition. Last evaluated: 2019-02-20. Review status: no assertion criteria provided. Collection method: clinical testing. Allele origin: germline.
Comment: This variant is classified as likely benign based on ACMG/AMP sequence variant interpretation guidelines (Richards et al. 2015 PMID: 25741868, with internal and published modifications).